The following is an entry in ClinVar:

ClinVar aggregate classification (germline): Pathogenic (1 of 4 stars; one submission).

Conditions:
Autosomal recessive osteopetrosis 1. Also called: TCIRG1-Related Osteopetrosis; ALBERS-SCHONBERG DISEASE, AUTOSOMAL RECESSIVE; TCIRG1-Related Autosomal Recessive Osteopetrosis. Identifiers: Orphanet 667, MedGen C1850127, MONDO:0009815, OMIM 259700.

Submission:

Myriad Genetics, Inc.
Classification: Pathogenic for Autosomal recessive osteopetrosis 1. Last evaluated: 2025-10-24. Review status: criteria provided, single submitter. Criteria: Myriad Autosomal Dominant, Autosomal Recessive and X-Linked Classification Criteria (2023). Collection method: clinical testing. Allele origin: unknown.
Comment: NM_006019.3(TCIRG1):c.2077G>T(E693*) is a nonsense variant classified as pathogenic in the context of autosomal recessive osteopetrosis type 1. E693* has been observed in a case with relevant disease (PMID: 22231430). Relevant functional assessments of this variant are not available in the literature. E693* has not been observed in referenced population frequency databases. In summary, NM_006019.3(TCIRG1):c.2077G>T(E693*) is a nonsense variant that has been observed more frequently in cases with the relevant disease than in healthy populations. Please note: this variant was assessed in the context of healthy population screening.

Literature cited by the submitters: PubMed 22231430.

NM_006019.4(TCIRG1):c.2077G>T (p.Glu693Ter)

Gene: TCIRG1 (T cell immune regulator 1, ATPase H+ transporting V0 subunit a3; plus strand). Cytogenetic location: 11q13.2.
Variant type: single nucleotide variant.
Coding change: c.2077G>T on transcript NM_006019.4 (MANE Select); coding-DNA position 2077, G replaced by T.
Protein change: p.Glu693Ter; replaces glutamic acid 693 with a stop codon.
Molecular consequence: nonsense.
Genome position (GRCh38, 1-based): chr11:68,050,025, G>T. VCF-style: chr11-68050025-G-T. GRCh37 (hg19) VCF-style: chr11-67817492-G-T.
Other names: c.1183G>T, p.Glu395Ter (NM_001351059.2); c.2077G>T, p.Glu693Ter (NM_001440552.1, NM_001440553.1, NM_001440554.1 and 2 more transcripts); c.2035G>T, p.Glu679Ter (NM_001440555.1, NM_001440556.1, NM_001440563.1); c.1864G>T, p.Glu622Ter (NM_001440559.1, NM_001440560.1, NM_001440561.1 and 2 more transcripts); c.1822G>T, p.Glu608Ter (NM_001440564.1); c.1777G>T, p.Glu593Ter (NM_001440565.1); c.1615G>T, p.Glu539Ter (NM_001440567.1); c.1609G>T, p.Glu537Ter (NM_001440568.1); and 2 more; short protein forms E537*, E608*, E679*, E539*, E593*, E693*, E373*, E477*.
Identifiers: ClinVar variation 5003273 (VCV005003273.1).
Genomic context (GRCh38, chr11:68,050,025, plus strand): 5'-GAAAACAAGGCCGGGTTGCTGGACCTGCCTGACGCATCTGTGAATGGCTGGAGCTCCGAT[G>T]AGGAAAAGGCAGGGGGCCTGGATGATGAAGAGGAGGCCGAGGTGGGTGCAGTGCCTTCCT-3'